The following is an entry in ClinVar:

NM_001242896.3(DEPDC5):c.3097G>A (p.Val1033Met)

Gene: DEPDC5 (DEP domain containing 5, GATOR1 subcomplex subunit; plus strand). Cytogenetic location: 22q12.3.
Variant type: single nucleotide variant.
Coding change: c.3097G>A on transcript NM_001242896.3 (MANE Select); coding-DNA position 3097, G replaced by A.
Protein change: p.Val1033Met; replaces valine 1033 with methionine.
Molecular consequence: missense variant. On other transcripts: non-coding transcript variant (5).
Genome position (GRCh38, 1-based): chr22:31,846,909, G>A. VCF-style: chr22-31846909-G-A. GRCh37 (hg19) VCF-style: chr22-32242895-G-A.
Other names: c.3070G>A, p.Val1024Met (NM_001136029.4, NM_001369903.1, NM_014662.6); c.2863G>A, p.Val955Met (NM_001242897.2, NM_001363854.2, NM_001364319.2); c.3097G>A, p.Val1033Met (NM_001363852.2, NM_001364318.2, NM_001364320.2); c.3013G>A, p.Val1005Met (NM_001369901.1, NM_001369902.1); c.3097G>A (NM_001242896.1); short protein forms V1024M, V1005M, V955M, V1033M.
Identifiers: ClinVar variation 1506126 (VCV001506126.9), dbSNP rs376313159, ClinGen allele CA323345482.

ClinVar aggregate classification (germline): Uncertain significance. Review status: criteria provided, multiple submitters, no conflicts (2 of 4 stars). 2 submissions from 2 submitters: Uncertain significance (2). Last evaluated 2025-02-07.

Conditions:
Familial focal epilepsy with variable foci (FPEVF). Identifiers: Orphanet 98820, MedGen C1858477, MONDO:0020310.

Allele frequency attached by ClinVar (database versions not stated): ESP Exome Variant Server 0.00008.
gnomAD v4.1: 2 of 1,614,140 alleles (0.00012%); highest among the groups gnomAD compares: African/African-American, 0.0027%; no homozygotes.

Submissions (2):

GeneDx
Classification: Uncertain significance. Last evaluated: 2025-02-07. Review status: criteria provided, single submitter. Criteria: GeneDx Variant Classification Process June 2021. Collection method: clinical testing. Allele origin: germline. Affected: yes.
Comment: Not observed at significant frequency in large population cohorts (gnomAD); In silico analysis indicates that this missense variant does not alter protein structure/function; Has not been previously published as pathogenic or benign to our knowledge

Labcorp Genetics (formerly Invitae), Labcorp
Classification: Uncertain significance for Familial focal epilepsy with variable foci. Last evaluated: 2024-01-21. Review status: criteria provided, single submitter. Criteria: Invitae Variant Classification Sherloc (09022015). Collection method: clinical testing. Allele origin: germline.
Comment: This sequence change replaces valine, which is neutral and non-polar, with methionine, which is neutral and non-polar, at codon 1033 of the DEPDC5 protein (p.Val1033Met). This variant is not present in population databases (gnomAD no frequency). This variant has not been reported in the literature in individuals affected with DEPDC5-related conditions. ClinVar contains an entry for this variant (Variation ID: 1506126). Experimental studies and prediction algorithms are not available or were not evaluated, and the functional significance of this variant is currently unknown. In summary, the available evidence is currently insufficient to determine the role of this variant in disease. Therefore, it has been classified as a Variant of Uncertain Significance.